The following is an entry in ClinVar:

NM_182894.3(VSX2):c.*10C>T

Gene: VSX2 (visual system homeobox 2; plus strand). Cytogenetic location: 14q24.3.
Variant type: single nucleotide variant.
Coding change: c.*10C>T on transcript NM_182894.3 (MANE Select); 10 bases downstream of the stop codon, C replaced by T.
Molecular consequence: 3 prime UTR variant.
Genome position (GRCh38, 1-based): chr14:74,260,929, C>T. VCF-style: chr14-74260929-C-T. GRCh37 (hg19) VCF-style: chr14-74727632-C-T.
Identifiers: ClinVar variation 888331 (VCV000888331.6), dbSNP rs559868301, ClinGen allele CA7266530.

ClinVar aggregate classification (germline): Uncertain significance. Review status: criteria provided, single submitter (1 of 4 stars). 3 submissions from 2 submitters: Uncertain significance (2). 1 of the submissions does not count toward it. Last evaluated 2018-01-13.

Conditions:
VSX2-related disorder. Also called: VSX2-related condition.
Microphthalmia, isolated, with coloboma 3 (MCOPCB3). Also called: MICROPHTHALMIA/COLOBOMA 3; MICROPHTHALMIA, COLOBOMATOUS, 3. Identifiers: Orphanet 98938, MedGen C1864721, MONDO:0012408, OMIM 610092.
Isolated microphthalmia 2. Identifiers: Orphanet 2542, MedGen C1864720, MONDO:0012409, OMIM 610093.

Allele frequency attached by ClinVar (database versions not stated): gnomAD 0.00004 and 0.00008; TOPMed 0.00008; gnomAD exomes 0.00011 and 0.00020; 1000 Genomes Project 0.00020; 1000 Genomes Project 30x 0.00031; ExAC 0.00047.
gnomAD v4.1: 162 of 1,552,222 alleles (0.01%); highest among the groups gnomAD compares: South Asian, 0.1%; no homozygotes.

Submissions (3):

Illumina Laboratory Services, Illumina
Classification: Uncertain significance for Microphthalmia, isolated, with coloboma 3. Last evaluated: 2018-01-13. Review status: criteria provided, single submitter. Criteria: ICSL Variant Classification Criteria 13 December 2019. Collection method: clinical testing. Allele origin: germline.

Illumina Laboratory Services, Illumina
Classification: Uncertain significance for Isolated microphthalmia 2. Last evaluated: 2018-01-13. Review status: criteria provided, single submitter. Criteria: ICSL Variant Classification Criteria 13 December 2019. Collection method: clinical testing. Allele origin: germline.

PreventionGenetics, part of Exact Sciences
Classification: Likely benign for VSX2-related condition. Last evaluated: 2019-06-21. Review status: no assertion criteria provided. Collection method: clinical testing. Allele origin: germline. Not counted in ClinVar's aggregate classification.
Comment: This variant is classified as likely benign based on ACMG/AMP sequence variant interpretation guidelines (Richards et al. 2015 PMID: 25741868, with internal and published modifications).